The following is an entry in ClinVar:

ClinVar aggregate classification (germline): Pathogenic (1 of 4 stars; one submission).

Conditions:
Gorlin syndrome. Also called: Nevoid Basal Cell Carcinoma Syndrome; Basal cell nevus syndrome. Identifiers: Orphanet 377, MedGen C0004779, MONDO:0007187.

Submission:

Labcorp Genetics (formerly Invitae), Labcorp
Classification: Pathogenic for Gorlin syndrome. Last evaluated: 2020-05-23. Review status: criteria provided, single submitter. Criteria: Invitae Variant Classification Sherloc (09022015). Collection method: clinical testing. Allele origin: germline.
Comment: For these reasons, this variant has been classified as Pathogenic. Loss-of-function variants in PTCH1 are known to be pathogenic (PMID: 16301862, 16419085). This variant has not been reported in the literature in individuals with PTCH1-related conditions. This variant is not present in population databases (ExAC no frequency). This sequence change creates a premature translational stop signal (p.Gln794Hisfs*12) in the PTCH1 gene. It is expected to result in an absent or disrupted protein product.

Literature cited by the submitters: PubMed 16301862; PubMed 16419085.

NM_000264.5(PTCH1):c.2382del (p.Gln794fs)

Genes: PTCH1 (patched 1; minus strand), LOC100507346 (uncharacterized LOC100507346; plus strand). Cytogenetic location: 9q22.32.
Variant type: Deletion.
Coding change: c.2382del on transcript NM_000264.5 (MANE Select); coding-DNA position 2382, one base deleted (A; older notation c.2382delA).
Protein change: p.Gln794fs; shifts the reading frame from glutamine 794.
Molecular consequence: frameshift variant.
Genome position (GRCh38, 1-based): chr9:95,467,294, T deleted on the plus strand (A on the coding strand, the reverse complement: PTCH1 is on the minus strand); the first of 2 consecutive T bases (chr9:95,467,294-95,467,295); deleting either gives the same sequence. VCF-style (leftmost placement, unchanged base first): chr9-95467293-AT-A. GRCh37 (hg19) VCF-style: chr9-98229575-AT-A.
Other names: c.2184del, p.Gln728fs (NM_001083602.3); c.2379del, p.Gln793fs (NM_001083603.3); c.1929del, p.Gln643fs (NM_001083604.3, NM_001083605.3, NM_001083606.3 and 1 more transcripts); c.2226del, p.Gln742fs (NM_001354918.2); short protein forms Q643fs, Q728fs, Q742fs, Q793fs, Q794fs.
Identifiers: ClinVar variation 1072168 (VCV001072168.7), dbSNP rs2117965922, ClinGen allele CA2499220044.